The following is an entry in ClinVar:

ClinVar aggregate classification (germline): Likely benign. Review status: criteria provided, single submitter (1 of 4 stars). 2 submissions from 2 submitters: Likely benign (1). 1 of the submissions does not count toward it. Last evaluated 2024-06-06.

Conditions:
DNAH17-related disorder. Also called: DNAH17-related condition.

Allele frequency attached by ClinVar (database versions not stated): gnomAD exomes 0.00015; gnomAD 0.00025; TOPMed 0.00032; ExAC 0.00059; 1000 Genomes Project 30x 0.00109; 1000 Genomes Project 0.00140.
gnomAD v4.1: 357 of 1,578,710 alleles (0.023%); highest among the groups gnomAD compares: East Asian, 0.52%; 3 homozygotes.

Submissions (2):

Blueprint Genetics
Classification: Likely benign. Last evaluated: 2024-06-06. Review status: criteria provided, single submitter. Criteria: ACMG Guidelines, 2015. Collection method: clinical testing. Allele origin: germline.

PreventionGenetics, part of Exact Sciences
Classification: Likely benign for DNAH17-related condition. Last evaluated: 2019-10-28. Review status: no assertion criteria provided. Collection method: clinical testing. Allele origin: germline. Not counted in ClinVar's aggregate classification.
Comment: This variant is classified as likely benign based on ACMG/AMP sequence variant interpretation guidelines (Richards et al. 2015 PMID: 25741868, with internal and published modifications).

NM_173628.4(DNAH17):c.543C>T (p.Ile181=)

Gene: DNAH17 (dynein axonemal heavy chain 17; minus strand). Cytogenetic location: 17q25.3.
Variant type: single nucleotide variant.
Coding change: c.543C>T on transcript NM_173628.4 (MANE Select); coding-DNA position 543, C replaced by T.
Protein change: p.Ile181=; no amino-acid change (isoleucine 181 retained).
Molecular consequence: synonymous variant.
Genome position (GRCh38, 1-based): chr17:78,571,779, G>A on the plus strand (C>T on the coding strand, the complement: DNAH17 is on the minus strand). VCF-style: chr17-78571779-G-A. GRCh37 (hg19) VCF-style: chr17-76567861-G-A.
Identifiers: ClinVar variation 3053264 (VCV003053264.3), dbSNP rs192565429, ClinGen allele CA8805597.